The following is an entry in ClinVar:

ClinVar aggregate classification (germline): Likely benign (1 of 4 stars; one submission).

Submission:

CeGaT Center for Human Genetics Tuebingen
Classification: Likely benign. Last evaluated: 2024-08-01. Review status: criteria provided, single submitter. Criteria: CeGaT Center For Human Genetics Tuebingen Variant Classification Criteria Version 2. Collection method: clinical testing. Allele origin: germline. Affected: yes. Observed: 1 variant allele.
Comment: ZNF292: PM2:Supporting, BP4, BP7

NM_015021.3(ZNF292):c.2904A>G (p.Thr968=)

Gene: ZNF292 (zinc finger protein 292; plus strand). Cytogenetic location: 6q14.3.
Variant type: single nucleotide variant.
Coding change: c.2904A>G on transcript NM_015021.3 (MANE Select); coding-DNA position 2904, A replaced by G.
Protein change: p.Thr968=; no amino-acid change (threonine 968 retained).
Molecular consequence: synonymous variant.
Genome position (GRCh38, 1-based): chr6:87,256,533, A>G. VCF-style: chr6-87256533-A-G. GRCh37 (hg19) VCF-style: chr6-87966251-A-G.
Other names: c.2484A>G, p.Thr828= (NM_001351444.2).
Identifiers: ClinVar variation 3342055 (VCV003342055.16).